The following is an entry in ClinVar:

ClinVar aggregate classification (germline): Likely benign (1 of 4 stars; one submission).

gnomAD v4.1: 1,676 of 1,614,136 alleles (0.1%); highest among the groups gnomAD compares: Admixed American, 0.19%; 2 homozygotes.

Submission:

CeGaT Center for Human Genetics Tuebingen
Classification: Likely benign. Last evaluated: 2025-12-01. Review status: criteria provided, single submitter. Criteria: CeGaT Center For Human Genetics Tuebingen Variant Classification Criteria Version 2. Collection method: clinical testing. Allele origin: germline. Affected: yes. Observed: 3 variant alleles.
Comment: ITSN1: BP4, BP7

NM_003024.3(ITSN1):c.4809T>C (p.Val1603=)

Genes: ITSN1 (intersectin 1; plus strand), LOC126653350 (BRD4-independent group 4 enhancer GRCh37_chr21:35257366-35258565; plus strand). Cytogenetic location: 21q22.11.
Variant type: single nucleotide variant.
Coding change: c.4809T>C on transcript NM_003024.3 (MANE Select); coding-DNA position 4809, T replaced by C.
Protein change: p.Val1603=; no amino-acid change (valine 1603 retained).
Molecular consequence: synonymous variant.
Genome position (GRCh38, 1-based): chr21:33,885,488, T>C. VCF-style: chr21-33885488-T-C. GRCh37 (hg19) VCF-style: chr21-35257792-T-C.
Other names: c.4794T>C, p.Val1598= (NM_001331010.2).
Identifiers: ClinVar variation 3770624 (VCV003770624.13).